The following is an entry in ClinVar:

ClinVar aggregate classification (germline): Uncertain significance (1 of 4 stars; one submission).

Conditions:
Glycogen storage disease, type II (IOPD). Also called: CARDIOMEGALIA GLYCOGENICA DIFFUSA; Glucosidase acid-1,4-alpha deficiency; Pompe Disease; POMPE DISEASE, INFANTILE-ONSET; GLYCOGEN STORAGE DISEASE II, INFANTILE-ONSET; ACID ALPHA-GLUCOSIDASE DEFICIENCY, INFANTILE-ONSET. Identifiers: Orphanet 365, MedGen C0017921, MONDO:0009290, OMIM 232300.

Submission:

Labcorp Genetics (formerly Invitae), Labcorp
Classification: Uncertain significance for Glycogen storage disease, type II. Last evaluated: 2022-10-11. Review status: criteria provided, single submitter. Criteria: Invitae Variant Classification Sherloc (09022015). Collection method: clinical testing. Allele origin: germline.
Comment: This variant is not present in population databases (gnomAD no frequency). In summary, the available evidence is currently insufficient to determine the role of this variant in disease. Therefore, it has been classified as a Variant of Uncertain Significance. Algorithms developed to predict the effect of sequence changes on RNA splicing suggest that this variant may create or strengthen a splice site. Advanced modeling of protein sequence and biophysical properties (such as structural, functional, and spatial information, amino acid conservation, physicochemical variation, residue mobility, and thermodynamic stability) performed at Invitae indicates that this missense variant is not expected to disrupt GAA protein function. This variant has not been reported in the literature in individuals affected with GAA-related conditions. This sequence change replaces serine, which is neutral and polar, with isoleucine, which is neutral and non-polar, at codon 785 of the GAA protein (p.Ser785Ile).

NM_000152.5(GAA):c.2354G>T (p.Ser785Ile)

Gene: GAA (alpha glucosidase; plus strand). Cytogenetic location: 17q25.3.
Variant type: single nucleotide variant.
Coding change: c.2354G>T on transcript NM_000152.5 (MANE Select); coding-DNA position 2354, G replaced by T.
Protein change: p.Ser785Ile; replaces serine 785 with isoleucine.
Molecular consequence: missense variant.
Genome position (GRCh38, 1-based): chr17:80,117,622, G>T. VCF-style: chr17-80117622-G-T. GRCh37 (hg19) VCF-style: chr17-78091421-G-T.
Other names: c.2354G>T, p.Ser785Ile (NM_001079803.3, NM_001079804.3, NM_001406741.1 and 1 more transcripts); short protein forms S785I.
Identifiers: ClinVar variation 1721436 (VCV001721436.6), dbSNP rs2510398857, ClinGen allele CA401325012.